The following is an entry in ClinVar:

ClinVar aggregate classification (germline): Uncertain significance (1 of 4 stars; one submission).

Conditions:
Cardiovascular phenotype. Identifiers: MedGen CN230736.

gnomAD v4.1: 1 of 1,611,464 alleles (0.000062%); highest among the groups gnomAD compares: African/African-American, 0.0013%; no homozygotes.

Submission:

Ambry Genetics
Classification: Uncertain significance for Cardiovascular phenotype. Last evaluated: 2022-04-06. Review status: criteria provided, single submitter. Criteria: Ambry Variant Classification Scheme 2023. Collection method: clinical testing. Allele origin: germline.
Comment: The p.R634G variant (also known as c.1900A>G), located in coding exon 4 of the JPH2 gene, results from an A to G substitution at nucleotide position 1900. The arginine at codon 634 is replaced by glycine, an amino acid with dissimilar properties. This amino acid position is conserved. In addition, this alteration is predicted to be tolerated by in silico analysis. Since supporting evidence is limited at this time, the clinical significance of this alteration remains unclear.

NM_020433.5(JPH2):c.1900A>G (p.Arg634Gly)

Gene: JPH2 (junctophilin 2; minus strand). Cytogenetic location: 20q13.12.
Variant type: single nucleotide variant.
Coding change: c.1900A>G on transcript NM_020433.5 (MANE Select); coding-DNA position 1900, A replaced by G.
Protein change: p.Arg634Gly; replaces arginine 634 with glycine.
Molecular consequence: missense variant.
Genome position (GRCh38, 1-based): chr20:44,115,775, T>C on the plus strand (A>G on the coding strand, the complement: JPH2 is on the minus strand). VCF-style: chr20-44115775-T-C. GRCh37 (hg19) VCF-style: chr20-42744415-T-C.
Other names: short protein forms R634G.
Identifiers: ClinVar variation 1782303 (VCV001782303.2), dbSNP rs2515717734, ClinGen allele CA409099715.